The following is an entry in ClinVar:

NM_001920.5(DCN):c.566C>T (p.Ser189Leu)

Gene: DCN (decorin; minus strand). Cytogenetic location: 12q21.33.
Variant type: single nucleotide variant.
Coding change: c.566C>T on transcript NM_001920.5 (MANE Select); coding-DNA position 566, C replaced by T.
Protein change: p.Ser189Leu; replaces serine 189 with leucine.
Molecular consequence: missense variant. On other transcripts: intron variant (3).
Genome position (GRCh38, 1-based): chr12:91,157,161, G>A on the plus strand (C>T on the coding strand, the complement: DCN is on the minus strand). VCF-style: chr12-91157161-G-A. GRCh37 (hg19) VCF-style: chr12-91550938-G-A.
Other names: c.566C>T, p.Ser189Leu (NM_133503.4); c.239C>T, p.Ser80Leu (NM_133504.3); c.212-10909C>T (NM_133507.3); c.212-3972C>T (NM_133505.3); c.324+7444C>T (NM_133506.3); short protein forms S80L, S189L.
Identifiers: ClinVar variation 4713387 (VCV004713387.1).

ClinVar aggregate classification (germline): Uncertain significance (1 of 4 stars; one submission).

Submission:

Labcorp Genetics (formerly Invitae), Labcorp
Classification: Uncertain significance. Last evaluated: 2025-02-27. Review status: criteria provided, single submitter. Criteria: Invitae Variant Classification Sherloc (09022015). Collection method: clinical testing. Allele origin: germline.
Comment: This sequence change replaces serine, which is neutral and polar, with leucine, which is neutral and non-polar, at codon 189 of the DCN protein (p.Ser189Leu). This variant is not present in population databases (gnomAD no frequency). This variant has not been reported in the literature in individuals affected with DCN-related conditions. An algorithm developed to predict the effect of missense changes on protein structure and function (PolyPhen-2) suggests that this variant is likely to be tolerated. In summary, the available evidence is currently insufficient to determine the role of this variant in disease. Therefore, it has been classified as a Variant of Uncertain Significance.